The following is an entry in ClinVar:

NM_001267550.2(TTN):c.63581T>C (p.Leu21194Pro)

Genes: TTN-AS1 (TTN antisense RNA 1; plus strand), TTN (titin; minus strand). Cytogenetic location: 2q31.2.
Variant type: single nucleotide variant.
Coding change: c.63581T>C on transcript NM_001267550.2 (MANE Select); coding-DNA position 63581, T replaced by C.
Protein change: p.Leu21194Pro; replaces leucine 21194 with proline.
Molecular consequence: missense variant.
Genome position (GRCh38, 1-based): chr2:178,587,728, A>G on the plus strand (T>C on the coding strand, the complement: TTN is on the minus strand). VCF-style: chr2-178587728-A-G. GRCh37 (hg19) VCF-style: chr2-179452455-A-G.
Other names: p.L19553P:CTC>CCC; c.58658T>C, p.Leu19553Pro (NM_001256850.1); c.36386T>C, p.Leu12129Pro (NM_003319.4); c.55877T>C, p.Leu18626Pro (NM_133378.4); c.36761T>C, p.Leu12254Pro (NM_133432.3); c.36962T>C, p.Leu12321Pro (NM_133437.4); c.63581T>C (NM_001267550.1); short protein forms L19553P, L21194P, L12129P, L12321P, L18626P, L12254P.
Identifiers: ClinVar variation 202777 (VCV000202777.10), dbSNP rs367838375, ClinGen allele CA310255.

ClinVar aggregate classification (germline): Conflicting classifications of pathogenicity. Review status: criteria provided, conflicting classifications (1 of 4 stars). 6 submissions from 6 submitters: Uncertain significance (2); Likely benign (4). Last evaluated 2025-06-02.

Conditions:
Cardiovascular phenotype. Identifiers: MedGen CN230736.
Cardiomyopathy (CMYO). Also called: Cardiomyopathies. Identifiers: Orphanet 167848, MedGen C0878544, MONDO:0004994, HP:0001638. Inheritance: Various modes of inheritance.

Allele frequency attached by ClinVar (database versions not stated): gnomAD exomes below 0.00001 and 0.00001; ExAC 0.00001; TOPMed 0.00001; gnomAD 0.00006; ESP Exome Variant Server 0.00008.
gnomAD v4.1: 26 of 1,612,712 alleles (0.0016%); highest among the groups gnomAD compares: Non-Finnish European, 0.0022%; no homozygotes.

Submissions (6):

Athena Diagnostics
Classification: Likely benign. Last evaluated: 2025-06-02. Review status: criteria provided, single submitter. Criteria: Athena Diagnostics Criteria. Collection method: clinical testing. Allele origin: unknown.
Comment: The frequency of this variant in the general population is higher than would generally be expected for pathogenic variants in this gene.

CHEO Genetics Diagnostic Laboratory, Children's Hospital of Eastern Ontario
Classification: Likely benign for Cardiomyopathy. Last evaluated: 2023-05-26. Review status: criteria provided, single submitter. Criteria: ACMG Guidelines, 2015. Collection method: clinical testing. Allele origin: germline.

Revvity Omics, Revvity
Classification: Uncertain significance. Last evaluated: 2023-05-23. Review status: criteria provided, single submitter. Criteria: ACMG Guidelines, 2015. Collection method: clinical testing. Allele origin: germline.

Blueprint Genetics
Classification: Likely benign. Last evaluated: 2023-04-19. Review status: criteria provided, single submitter. Criteria: ACMG Guidelines, 2015. Collection method: clinical testing. Allele origin: germline.

GeneDx
Classification: Likely benign. Last evaluated: 2020-02-27. Review status: criteria provided, single submitter. Criteria: GeneDx Variant Classification Process June 2021. Collection method: clinical testing. Allele origin: germline. Affected: yes.

Ambry Genetics
Classification: Uncertain significance for Cardiovascular phenotype. Last evaluated: 2016-07-14. Review status: criteria provided, single submitter. Criteria: Ambry Variant Classification Scheme 2023. Collection method: clinical testing. Allele origin: germline.
Comment: The p.L12129P variant (also known as c.36386T>C), located in coding exon 133 of the TTN gene, results from a T to C substitution at nucleotide position 36386. This alteration is located in the A-band region of the N2-B isoform of the titin protein. The leucine at codon 12129 is replaced by proline, an amino acid with similar properties. This variant was previously reported in the SNPDatabase as rs367838375. Based on data from ExAC, the C allele has an overall frequency of less than 0.01% (1/104172). Based on data from the NHLBI Exome Sequencing Project (ESP), the C allele has an overall frequency of approximately 0.01% (1/12122) total alleles studied and 0.01% (1/8250) European American alleles. This amino acid position is highly conserved in available vertebrate species. In addition, the in silico prediction for this alteration is inconclusive. Since supporting evidence is limited at this time, the clinical significance of this alteration remains unclear.

Literature cited by the submitters: PubMed 33432171 (cited by Athena Diagnostics).